The following is an entry in ClinVar:

NM_024408.4(NOTCH2):c.7046C>T (p.Pro2349Leu)

Gene: NOTCH2 (notch receptor 2; minus strand). Cytogenetic location: 1p12.
Variant type: single nucleotide variant.
Coding change: c.7046C>T on transcript NM_024408.4 (MANE Select); coding-DNA position 7046, C replaced by T.
Protein change: p.Pro2349Leu; replaces proline 2349 with leucine.
Molecular consequence: missense variant.
Genome position (GRCh38, 1-based): chr1:119,915,676, G>A on the plus strand (C>T on the coding strand, the complement: NOTCH2 is on the minus strand). VCF-style: chr1-119915676-G-A. GRCh37 (hg19) VCF-style: chr1-120458299-G-A.
Other names: short protein forms P2349L.
Identifiers: ClinVar variation 2581458 (VCV002581458.1), dbSNP rs2101142086, ClinGen allele CA341873892.

ClinVar aggregate classification (germline): Uncertain significance (1 of 4 stars; one submission).

Allele frequency attached by ClinVar (database versions not stated): gnomAD exomes below 0.00001.
gnomAD v4.1: 4 of 1,613,308 alleles (0.00025%); highest among the groups gnomAD compares: Non-Finnish European, 0.00034%; no homozygotes.

Submission:

Women's Health and Genetics/Laboratory Corporation of America, LabCorp
Classification: Uncertain significance. Last evaluated: 2023-08-30. Review status: criteria provided, single submitter. Criteria: LabCorp Variant Classification Summary - May 2015. Collection method: clinical testing. Allele origin: germline.
Comment: Variant summary: NOTCH2 c.7046C>T (p.Pro2349Leu) results in a non-conservative amino acid change in the encoded protein sequence. Three of five in-silico tools predict a damaging effect of the variant on protein function. The variant was absent in 250390 control chromosomes. The available data on variant occurrences in the general population are insufficient to allow any conclusion about variant significance. To our knowledge, no occurrence of c.7046C>T in individuals affected with Hajdu-Cheney Syndrome and no experimental evidence demonstrating its impact on protein function have been reported. No submitters have cited clinical-significance assessments for this variant to ClinVar after 2014. Based on the evidence outlined above, the variant was classified as uncertain significance.